The following is an entry in ClinVar:

NM_001292063.2(OTOG):c.2657C>T (p.Thr886Met)

Gene: OTOG (otogelin; plus strand). Cytogenetic location: 11p15.1.
Variant type: single nucleotide variant.
Coding change: c.2657C>T on transcript NM_001292063.2 (MANE Select); coding-DNA position 2657, C replaced by T.
Protein change: p.Thr886Met; replaces threonine 886 with methionine.
Molecular consequence: missense variant.
Genome position (GRCh38, 1-based): chr11:17,578,424, C>T. VCF-style: chr11-17578424-C-T. GRCh37 (hg19) VCF-style: chr11-17599971-C-T.
Other names: c.2693C>T, p.Thr898Met (NM_001277269.2); short protein forms T898M, T886M.
Identifiers: ClinVar variation 500846 (VCV000500846.20), dbSNP rs113688475, ClinGen allele CA5905653.

ClinVar aggregate classification (germline): Conflicting classifications of pathogenicity. Review status: criteria provided, conflicting classifications (1 of 4 stars). 6 submissions from 6 submitters: Uncertain significance (4); Likely benign (1). 1 of the submissions does not count toward it. Last evaluated 2025-10-02.

Conditions:
OTOG-related disorder. Also called: OTOG-related condition.
Autosomal recessive nonsyndromic hearing loss 18B. Also called: Deafness, autosomal recessive 18b. Identifiers: Orphanet 90636, MedGen C3554163, MONDO:0013985, OMIM 614945.

Allele frequency attached by ClinVar (database versions not stated): gnomAD exomes 0.00012 and 0.00024; ExAC 0.00022; 1000 Genomes Project 0.00040; 1000 Genomes Project 30x 0.00047; gnomAD 0.00071 and 0.00081; TOPMed 0.00078.
gnomAD v4.1: 281 of 1,540,972 alleles (0.018%); highest among the groups gnomAD compares: African/African-American, 0.28%; no homozygotes.

Submissions (6):

Labcorp Genetics (formerly Invitae), Labcorp
Classification: Likely benign. Last evaluated: 2025-10-02. Review status: criteria provided, single submitter. Criteria: Invitae Variant Classification Sherloc (09022015). Collection method: clinical testing. Allele origin: germline.

Blueprint Genetics
Classification: Uncertain significance. Last evaluated: 2024-11-20. Review status: criteria provided, single submitter. Criteria: ACMG Guidelines, 2015. Collection method: clinical testing. Allele origin: germline.

GeneDx
Classification: Uncertain significance. Last evaluated: 2022-04-05. Review status: criteria provided, single submitter. Criteria: GeneDx Variant Classification Process June 2021. Collection method: clinical testing. Allele origin: germline. Affected: yes.
Comment: In silico analysis supports that this missense variant does not alter protein structure/function; Has not been previously published as pathogenic or benign to our knowledge

New York Genome Center
Classification: Uncertain significance for Autosomal recessive nonsyndromic hearing loss 18B. Last evaluated: 2021-12-22. Review status: criteria provided, single submitter. Criteria: NYGC Assertion Criteria 2020. Collection method: clinical testing. Allele origin: inherited. Observed: 1 heterozygote. Study: CSER-NYCKidSeq.

Eurofins Ntd Llc (ga)
Classification: Uncertain significance. Last evaluated: 2017-03-31. Review status: criteria provided, single submitter. Criteria: EGL Classification Definitions 2015. Collection method: clinical testing. Allele origin: germline. Observed: 1 variant allele, 1 heterozygote.

PreventionGenetics, part of Exact Sciences
Classification: Likely benign for OTOG-related condition. Last evaluated: 2023-06-30. Review status: no assertion criteria provided. Collection method: clinical testing. Allele origin: germline. Not counted in ClinVar's aggregate classification.
Comment: This variant is classified as likely benign based on ACMG/AMP sequence variant interpretation guidelines (Richards et al. 2015 PMID: 25741868, with internal and published modifications).